The following is an entry in ClinVar:

NM_018713.3(SLC30A10):c.640+4C>T

Gene: SLC30A10 (solute carrier family 30 member 10; minus strand). Cytogenetic location: 1q41.
Variant type: single nucleotide variant.
Coding change: c.640+4C>T on transcript NM_018713.3 (MANE Select); 4 bases into the intron after coding-DNA position 640, C replaced by T.
Molecular consequence: intron variant.
Genome position (GRCh38, 1-based): chr1:219,927,797, G>A on the plus strand (C>T on the coding strand, the complement: SLC30A10 is on the minus strand). VCF-style: chr1-219927797-G-A. GRCh37 (hg19) VCF-style: chr1-220101139-G-A.
Other names: c.452-692C>T (NM_001376929.1).
Identifiers: ClinVar variation 2076085 (VCV002076085.4), dbSNP rs944319367, ClinGen allele CA2580062188.

ClinVar aggregate classification (germline): Uncertain significance (1 of 4 stars; one submission).

Submission:

Labcorp Genetics (formerly Invitae), Labcorp
Classification: Uncertain significance. Last evaluated: 2024-07-15. Review status: criteria provided, single submitter. Criteria: Invitae Variant Classification Sherloc (09022015). Collection method: clinical testing. Allele origin: germline.
Comment: This sequence change falls in intron 1 of the SLC30A10 gene. It does not directly change the encoded amino acid sequence of the SLC30A10 protein. It affects a nucleotide within the consensus splice site. This variant is not present in population databases (gnomAD no frequency). This variant has not been reported in the literature in individuals affected with SLC30A10-related conditions. ClinVar contains an entry for this variant (Variation ID: 2076085). Variants that disrupt the consensus splice site are a relatively common cause of aberrant splicing (PMID: 17576681, 9536098). Algorithms developed to predict the effect of sequence changes on RNA splicing suggest that this variant is not likely to affect RNA splicing. In summary, the available evidence is currently insufficient to determine the role of this variant in disease. Therefore, it has been classified as a Variant of Uncertain Significance.

Literature cited by the submitters: PubMed 17576681; PubMed 9536098.